The following is an entry in ClinVar:

c.10_11 ins10bp

Variant type: Insertion.
Identifiers: ClinVar variation 65828 (VCV000065828.3).

ClinVar aggregate classification (germline): Pathogenic (0 of 4 stars; one submission).

Conditions:
Cholestanol storage disease (CTX). Also called: CEREBRAL CHOLESTERINOSIS; Cerebrotendinous Xanthomatosis; CTX: Cerebrotendinous xanthomatosis. Identifiers: Orphanet 909, MedGen C0238052, MONDO:0008948, OMIM 213700.

Submission:

GeneReviews
Classification: Pathogenic for Cerebrotendinous Xanthomatosis. Last evaluated: 2013-08-01. Review status: no assertion criteria provided. Collection method: curation. Allele origin: unknown.
ClinVar note: Converted during submission from pathologic to Pathogenic.